The following is an entry in ClinVar:

ClinVar aggregate classification (germline): Pathogenic/Likely pathogenic. Review status: criteria provided, multiple submitters, no conflicts (2 of 4 stars). 6 submissions from 6 submitters: Pathogenic (2); Likely pathogenic (3). 1 of the submissions does not count toward it. Last evaluated 2026-01-19.

Conditions:
Juvenile neuronal ceroid lipofuscinosis. Also called: Batten Disease. Identifiers: Orphanet 79264, MedGen CN293564, MONDO:0019262.
CLN3-related disorders.
Neuronal ceroid lipofuscinosis. Also called: Neuronal Ceroid Lipofuscinoses. Identifiers: Orphanet 216, Orphanet 79263, MedGen C0027877, MONDO:0016295. Disease mechanism: loss of function.
Neuronal ceroid lipofuscinosis 3 (CLN3). Identifiers: Orphanet 228346, MedGen C0751383, MONDO:0008767, OMIM 204200.

Allele frequency attached by ClinVar (database versions not stated): gnomAD exomes below 0.00001; TOPMed below 0.00001; gnomAD 0.00001.
gnomAD v4.1: 3 of 1,611,996 alleles (0.00019%); highest among the groups gnomAD compares: Non-Finnish European, 0.00025%; no homozygotes.

Submissions (6):

Labcorp Genetics (formerly Invitae), Labcorp
Classification: Pathogenic for Neuronal ceroid lipofuscinosis. Last evaluated: 2026-01-19. Review status: criteria provided, single submitter. Criteria: Invitae Variant Classification Sherloc (09022015). Collection method: clinical testing. Allele origin: germline.
Comment: This sequence change creates a premature translational stop signal (p.Gln72*) in the CLN3 gene. It is expected to result in an absent or disrupted protein product. Loss-of-function variants in CLN3 are known to be pathogenic (PMID: 9311735, 28542676). This variant is not present in population databases (gnomAD no frequency). This premature translational stop signal has been observed in individual(s) with neuronal ceroid lipofuscinosis (PMID: 21990111). ClinVar contains an entry for this variant (Variation ID: 56258). For these reasons, this variant has been classified as Pathogenic.

Natera, Inc.
Classification: Likely pathogenic for Batten Disease. Last evaluated: 2026-01-13. Review status: criteria provided, single submitter. Criteria: Natera Variant Classification Schema (03/2026). Collection method: clinical testing. Allele origin: germline.
Comment: The c.214C>T variant in CLN3 is a nonsense variant predicted to introduce a stop codon at amino acid 72. This variant is expected to result in nonsense mediated decay, truncation, or a dysfunctional protein product. This variant is rare in the general population with a frequency below the threshold expected for the associated phenotype(s). Given the available evidence, this variant is classified as Likely Pathogenic.

Baylor Genetics
Classification: Pathogenic for Neuronal ceroid lipofuscinosis 3. Last evaluated: 2024-02-23. Review status: criteria provided, single submitter. Criteria: ACMG Guidelines, 2015. Collection method: clinical testing. Allele origin: unknown.

Blueprint Genetics
Classification: Likely pathogenic for CLN3-related disorders. Last evaluated: 2021-04-26. Review status: criteria provided, single submitter. Criteria: ACMG Guidelines, 2015. Collection method: clinical testing. Allele origin: germline. Affected: yes. Observed: 1 variant allele.

Women's Health and Genetics/Laboratory Corporation of America, LabCorp
Classification: Likely pathogenic for Juvenile neuronal ceroid lipofuscinosis. Last evaluated: 2019-09-27. Review status: criteria provided, single submitter. Criteria: LabCorp Variant Classification Summary - May 2015. Collection method: clinical testing. Allele origin: germline.
Comment: Variant summary: CLN3 c.214C>T (p.Gln72X) results in a premature termination codon, predicted to cause a truncation of the encoded protein or absence of the protein due to nonsense mediated decay, which are commonly known mechanisms for disease. Truncations downstream of this position have been classified as pathogenic by our laboratory. The variant was absent in 249072 control chromosomes (gnomAD). c.214C>T has been reported in the literature in an individual affected with Juvenile Neuronal Ceroid-Lipofuscinosis (Juvenile Batten Disease), however, limited available information was provided (Kousi_2011). These data therefore do not allow clear conclusions about variant significance. To our knowledge, no experimental evidence demonstrating an impact on protein function has been reported. A ClinVar submission (evaluation after 2014) cites the variant as pathogenic. Based on the evidence outlined above, the variant was classified as likely pathogenic.

Juha Muilu Group; Institute for Molecular Medicine Finland (FIMM)
Classification: Likely pathogenic for Juvenile neuronal ceroid lipofuscinosis. Review status: no assertion criteria provided. Collection method: not provided. Allele origin: unknown. Not counted in ClinVar's aggregate classification.
Comment: FinDis database variant: This variant was not found or characterized by our laboratory, data were collected from public sources: see reference
ClinVar note: Converted during submission from probable-pathogenic to Likely pathogenic.

Literature cited by the submitters: PubMed 9311735 (cited by Labcorp Genetics (formerly Invitae), Labcorp); PubMed 28542676 (cited by Labcorp Genetics (formerly Invitae), Labcorp); PubMed 21990111 (cited by Labcorp Genetics (formerly Invitae), Labcorp and Women's Health and Genetics/Laboratory Corporation of America, LabCorp).

NM_001042432.2(CLN3):c.214C>T (p.Gln72Ter)

Gene: CLN3 (CLN3 lysosomal/endosomal transmembrane protein, battenin; minus strand). Cytogenetic location: 16p12.1.
Variant type: single nucleotide variant.
Coding change: c.214C>T on transcript NM_001042432.2 (MANE Select); coding-DNA position 214, C replaced by T.
Protein change: p.Gln72Ter; replaces glutamine 72 with a stop codon.
Molecular consequence: nonsense. On other transcripts: 5 prime UTR variant (1).
Genome position (GRCh38, 1-based): chr16:28,489,298, G>A on the plus strand (C>T on the coding strand, the complement: CLN3 is on the minus strand). VCF-style: chr16-28489298-G-A. GRCh37 (hg19) VCF-style: chr16-28500619-G-A.
Other names: c.214C>T, p.Gln72Ter (NM_000086.2, NM_001286104.2); c.-7C>T (NM_001286105.2); c.52C>T, p.Gln18Ter (NM_001286109.2, NM_001286110.2); short protein forms Q72*, Q18*.
Identifiers: ClinVar variation 56258 (VCV000056258.14), dbSNP rs386833709, ClinGen allele CA263642.